The following is an entry in ClinVar:

ClinVar aggregate classification (germline): Uncertain significance. Review status: criteria provided, multiple submitters, no conflicts (2 of 4 stars). 2 submissions from 2 submitters: Uncertain significance (2). Last evaluated 2024-10-15.

Conditions:
Oculootoradial syndrome (IVIC). Also called: RADIAL RAY DEFECTS, HEARING IMPAIRMENT, EXTERNAL OPHTHALMOPLEGIA, AND THROMBOCYTOPENIA; IVIC syndrome. Identifiers: Orphanet 2307, MedGen C1327918, MONDO:0007836, OMIM 147750.
Duane-radial ray syndrome (DRRS). Also called: ACRORENOOCULAR SYNDROME; DR SYNDROME; DUANE ANOMALY WITH RADIAL RAY ABNORMALITIES AND DEAFNESS; Okihiro Syndrome; Duane-Radial Ray Syndrome/Okihiro Syndrome; Duane-Radial Ray Syndrome (DRRS) / Okihiro Syndrome. Identifiers: Orphanet 93293, Orphanet 959, MedGen C1623209, MONDO:0011812, OMIM 607323. Disease mechanism: gain of function.

Allele frequency attached by ClinVar (database versions not stated): TOPMed 0.00001; ExAC 0.00003; gnomAD 0.00003.
gnomAD v4.1: 35 of 1,613,988 alleles (0.0022%); highest among the groups gnomAD compares: East Asian, 0.0045%; no homozygotes.

Submissions (2):

Labcorp Genetics (formerly Invitae), Labcorp
Classification: Uncertain significance for Duane-radial ray syndrome. Last evaluated: 2024-10-15. Review status: criteria provided, single submitter. Criteria: Invitae Variant Classification Sherloc (09022015). Collection method: clinical testing. Allele origin: germline.
Comment: This sequence change replaces arginine, which is basic and polar, with histidine, which is basic and polar, at codon 745 of the SALL4 protein (p.Arg745His). This variant is present in population databases (rs202211021, gnomAD 0.02%). This variant has not been reported in the literature in individuals affected with SALL4-related conditions. An algorithm developed to predict the effect of missense changes on protein structure and function (PolyPhen-2) suggests that this variant is likely to be tolerated. In summary, the available evidence is currently insufficient to determine the role of this variant in disease. Therefore, it has been classified as a Variant of Uncertain Significance.

Fulgent Genetics
Classification: Uncertain significance for Oculootoradial syndrome; Duane-radial ray syndrome. Last evaluated: 2024-03-08. Review status: criteria provided, single submitter. Criteria: ACMG Guidelines, 2015. Collection method: clinical testing. Allele origin: germline.

NM_020436.5(SALL4):c.2234G>A (p.Arg745His)

Gene: SALL4 (spalt like transcription factor 4; minus strand). Cytogenetic location: 20q13.2.
Variant type: single nucleotide variant.
Coding change: c.2234G>A on transcript NM_020436.5 (MANE Select); coding-DNA position 2234, G replaced by A.
Protein change: p.Arg745His; replaces arginine 745 with histidine.
Molecular consequence: missense variant. On other transcripts: intron variant (1).
Genome position (GRCh38, 1-based): chr20:51,790,249, C>T on the plus strand (G>A on the coding strand, the complement: SALL4 is on the minus strand). VCF-style: chr20-51790249-C-T. GRCh37 (hg19) VCF-style: chr20-50406788-C-T.
Other names: c.1150+1084G>A (NM_001318031.2); short protein forms R745H.
Identifiers: ClinVar variation 2855166 (VCV002855166.4), dbSNP rs202211021, ClinGen allele CA9912139.